The following is an entry in ClinVar:

ClinVar aggregate classification (germline): Uncertain significance (1 of 4 stars; one submission).

Allele frequency attached by ClinVar (database versions not stated): ExAC 0.00001.
gnomAD v4.1: 1 of 1,614,050 alleles (0.000062%); no homozygotes.

Submission:

Labcorp Genetics (formerly Invitae), Labcorp
Classification: Uncertain significance. Last evaluated: 2023-08-10. Review status: criteria provided, single submitter. Criteria: Invitae Variant Classification Sherloc (09022015). Collection method: clinical testing. Allele origin: germline.
Comment: In summary, the available evidence is currently insufficient to determine the role of this variant in disease. Therefore, it has been classified as a Variant of Uncertain Significance. Advanced modeling of protein sequence and biophysical properties (such as structural, functional, and spatial information, amino acid conservation, physicochemical variation, residue mobility, and thermodynamic stability) performed at Invitae indicates that this missense variant is not expected to disrupt MYO7A protein function. ClinVar contains an entry for this variant (Variation ID: 1931106). This variant has not been reported in the literature in individuals affected with MYO7A-related conditions. This variant is present in population databases (rs749585323, gnomAD 0.007%). This sequence change replaces asparagine, which is neutral and polar, with aspartic acid, which is acidic and polar, at codon 1361 of the MYO7A protein (p.Asn1361Asp).

NM_000260.4(MYO7A):c.4081A>G (p.Asn1361Asp)

Gene: MYO7A (myosin VIIA; plus strand). Cytogenetic location: 11q13.5.
Variant type: single nucleotide variant.
Coding change: c.4081A>G on transcript NM_000260.4 (MANE Select); coding-DNA position 4081, A replaced by G.
Protein change: p.Asn1361Asp; replaces asparagine 1361 with aspartic acid.
Molecular consequence: missense variant.
Genome position (GRCh38, 1-based): chr11:77,192,207, A>G. VCF-style: chr11-77192207-A-G. GRCh37 (hg19) VCF-style: chr11-76903252-A-G.
Other names: c.4081A>G, p.Asn1361Asp (NM_001127180.2); c.4048A>G, p.Asn1350Asp (NM_001369365.1); short protein forms N1350D, N1361D.
Identifiers: ClinVar variation 1931106 (VCV001931106.3), dbSNP rs749585323, ClinGen allele CA6198312.
Genomic context (GRCh38, chr11:77,192,207, plus strand): 5'-CCCTGGAGGCTCTTCTTCCGCAAAGAGGTCTTCACGCCCTGGCACAGCCCCTCCGAGGAC[A>G]ACGTGGCCACCAACCTCATCTACCAGCAGGTGGTGCGAGGAGTCAAGTTTGGGGAGTACA-3'
Protein context (NP_000251.3, residues 1351-1371): FTPWHSPSED[Asn1361Asp]VATNLIYQQV